The following is an entry in ClinVar:

NM_000293.3(PHKB):c.2278+1G>A

Gene: PHKB (phosphorylase kinase regulatory subunit beta; plus strand). Cytogenetic location: 16q12.1.
Variant type: single nucleotide variant.
Coding change: c.2278+1G>A on transcript NM_000293.3 (MANE Select); the canonical splice donor site of the intron after coding-DNA position 2278, G replaced by A.
Molecular consequence: splice donor variant.
Genome position (GRCh38, 1-based): chr16:47,661,801, G>A. VCF-style: chr16-47661801-G-A. GRCh37 (hg19) VCF-style: chr16-47695712-G-A.
Other names: c.2278+1G>A (NM_001363837.1); c.2257+1G>A (NM_001031835.3).
Identifiers: ClinVar variation 2974387 (VCV002974387.3), dbSNP rs2506610275, ClinGen allele CA395789372.

ClinVar aggregate classification (germline): Likely pathogenic (1 of 4 stars; one submission).

Conditions:
Glycogen storage disease IXb (GSD9B). Also called: PHOSPHORYLASE KINASE DEFICIENCY OF LIVER AND MUSCLE, AUTOSOMAL RECESSIVE; GLYCOGENOSIS OF LIVER AND MUSCLE, AUTOSOMAL RECESSIVE; GSD IXb. Identifiers: Orphanet 79240, MedGen C0543514, MONDO:0009868, OMIM 261750.

Allele frequency attached by ClinVar (database versions not stated): gnomAD exomes below 0.00001.
gnomAD v4.1: 1 of 1,601,478 alleles (0.000062%); highest among the groups gnomAD compares: South Asian, 0.0011%; no homozygotes.

Submission:

Labcorp Genetics (formerly Invitae), Labcorp
Classification: Likely pathogenic for Glycogen storage disease IXb. Last evaluated: 2023-12-13. Review status: criteria provided, single submitter. Criteria: Invitae Variant Classification Sherloc (09022015). Collection method: clinical testing. Allele origin: germline.
Comment: This sequence change affects a donor splice site in intron 23 of the PHKB gene. It is expected to disrupt RNA splicing. Variants that disrupt the donor or acceptor splice site typically lead to a loss of protein function (PMID: 16199547), and loss-of-function variants in PHKB are known to be pathogenic (PMID: 9215682, 9326319). This variant is not present in population databases (gnomAD no frequency). This variant has not been reported in the literature in individuals affected with PHKB-related conditions. Algorithms developed to predict the effect of sequence changes on RNA splicing suggest that this variant may disrupt the consensus splice site. In summary, the currently available evidence indicates that the variant is pathogenic, but additional data are needed to prove that conclusively. Therefore, this variant has been classified as Likely Pathogenic.

Literature cited by the submitters: PubMed 16199547; PubMed 9215682; PubMed 9326319.